The following is an entry in ClinVar:

NM_007194.4(CHEK2):c.141A>C (p.Pro47=)

Gene: CHEK2 (checkpoint kinase 2; minus strand). Cytogenetic location: 22q12.1.
Variant type: single nucleotide variant.
Coding change: c.141A>C on transcript NM_007194.4 (MANE Select); coding-DNA position 141, A replaced by C.
Protein change: p.Pro47=; no amino-acid change (proline 47 retained).
Molecular consequence: synonymous variant.
Genome position (GRCh38, 1-based): chr22:28,734,581, T>G on the plus strand (A>C on the coding strand, the complement: CHEK2 is on the minus strand). VCF-style: chr22-28734581-T-G. GRCh37 (hg19) VCF-style: chr22-29130569-T-G.
Other names: c.141A>C, p.Pro47= (NM_001005735.3, NM_001349956.3, NM_145862.3); c.-637A>C (NM_001257387.3).
Identifiers: ClinVar variation 3773639 (VCV003773639.1).
Genomic context (GRCh38, chr22:28,734,581, plus strand): 5'-GGACACTGTCTCTAAGGAGCTCAGTGTCCCAGAGCTGGAGTGAGAGGACTGGCTGGAGTT[T>G]GGCATCGTGCTGGTAGAGGAGCTGGATATGCCCTGGGACTGTGAGGAGGAGCCTTGGGAC-3'
Protein context (NP_009125.1, residues 37-57): GISSSSTSTM[Pro47=]NSSQSSHSSS

ClinVar aggregate classification (germline): Benign (1 of 4 stars; one submission).

Conditions:
Familial cancer of breast. Also called: Hereditary breast cancer; BREAST CANCER, FAMILIAL; hereditary breast carcinoma. Identifiers: Orphanet 227535, MedGen C0346153, MONDO:0016419, OMIM 114480. Disease mechanism: loss of function.

Submission:

Myriad Genetics, Inc.
Classification: Benign for Familial cancer of breast. Last evaluated: 2024-10-01. Review status: criteria provided, single submitter. Criteria: Myriad Autosomal Dominant, Autosomal Recessive and X-Linked Classification Criteria (2023). Collection method: clinical testing. Allele origin: unknown.
Comment: This variant is considered benign. This variant is a silent/synonymous amino acid change and it is not expected to impact splicing.